The following is an entry in ClinVar:

NM_018124.4(RFWD3):c.2312A>T (p.Tyr771Phe)

Gene: RFWD3 (ring finger and WD repeat domain 3; minus strand). Cytogenetic location: 16q23.1.
Variant type: single nucleotide variant.
Coding change: c.2312A>T on transcript NM_018124.4 (MANE Select); coding-DNA position 2312, A replaced by T.
Protein change: p.Tyr771Phe; replaces tyrosine 771 with phenylalanine.
Molecular consequence: missense variant.
Genome position (GRCh38, 1-based): chr16:74,623,941, T>A on the plus strand (A>T on the coding strand, the complement: RFWD3 is on the minus strand). VCF-style: chr16-74623941-T-A. GRCh37 (hg19) VCF-style: chr16-74657839-T-A.
Other names: c.2312A>T, p.Tyr771Phe (NM_001370534.1, NM_001370535.1); c.2135A>T, p.Tyr712Phe (NM_001370536.1); c.1478A>T, p.Tyr493Phe (NM_001370537.1, NM_001370539.1, NM_001370540.1 and 3 more transcripts); short protein forms Y493F, Y712F, Y771F.
Identifiers: ClinVar variation 2414171 (VCV002414171.6), dbSNP rs775345045, ClinGen allele CA396758861.

ClinVar aggregate classification (germline): Uncertain significance (1 of 4 stars; one submission).

gnomAD v4.1: 2 of 1,614,130 alleles (0.00012%); no homozygotes.

Submission:

Labcorp Genetics (formerly Invitae), Labcorp
Classification: Uncertain significance. Last evaluated: 2024-10-22. Review status: criteria provided, single submitter. Criteria: Invitae Variant Classification Sherloc (09022015). Collection method: clinical testing. Allele origin: germline.
Comment: This sequence change replaces tyrosine, which is neutral and polar, with phenylalanine, which is neutral and non-polar, at codon 771 of the RFWD3 protein (p.Tyr771Phe). This variant is not present in population databases (gnomAD no frequency). This variant has not been reported in the literature in individuals affected with RFWD3-related conditions. ClinVar contains an entry for this variant (Variation ID: 2414171). An algorithm developed to predict the effect of missense changes on protein structure and function (PolyPhen-2) suggests that this variant is likely to be disruptive. In summary, the available evidence is currently insufficient to determine the role of this variant in disease. Therefore, it has been classified as a Variant of Uncertain Significance.